The following is an entry in ClinVar:

NM_001042492.3(NF1):c.6160A>T (p.Met2054Leu)

Gene: NF1 (neurofibromin 1; plus strand). Cytogenetic location: 17q11.2.
Variant type: single nucleotide variant.
Coding change: c.6160A>T on transcript NM_001042492.3 (MANE Select); coding-DNA position 6160, A replaced by T.
Protein change: p.Met2054Leu; replaces methionine 2054 with leucine.
Molecular consequence: missense variant.
Genome position (GRCh38, 1-based): chr17:31,336,647, A>T. VCF-style: chr17-31336647-A-T. GRCh37 (hg19) VCF-style: chr17-29663665-A-T.
Other names: c.6097A>T, p.Met2033Leu (NM_000267.4); short protein forms M2054L, M2033L.
Identifiers: ClinVar variation 961967 (VCV000961967.8), dbSNP rs1037341012, ClinGen allele CA289386082.

ClinVar aggregate classification (germline): Uncertain significance. Review status: criteria provided, multiple submitters, no conflicts (2 of 4 stars). 2 submissions from 2 submitters: Uncertain significance (2). Last evaluated 2025-12-11.

Conditions:
Neurofibromatosis, type 1 (NF1). Also called: Peripheral type neurofibromatosis; VON RECKLINGHAUSEN DISEASE; NEUROFIBROMATOSIS, TYPE I, SOMATIC; Neurofibromatosis, type I. Identifiers: Orphanet 636, MedGen C0027831, MONDO:0018975, OMIM 162200. Disease mechanism: loss of function.
Hereditary cancer-predisposing syndrome. Also called: Hereditary neoplastic syndrome; Tumor predisposition; Neoplastic Syndromes, Hereditary; Hereditary Cancer Syndrome. Identifiers: Orphanet 140162, MedGen C0027672, MeSH D009386, MONDO:0015356.
Cardiovascular phenotype. Identifiers: MedGen CN230736.

Allele frequency attached by ClinVar (database versions not stated): gnomAD exomes below 0.00001.

Submissions (2):

Ambry Genetics
Classification: Uncertain significance for Cardiovascular phenotype; Hereditary cancer-predisposing syndrome. Last evaluated: 2025-12-11. Review status: criteria provided, single submitter. Criteria: Ambry Variant Classification Scheme 2023. Collection method: clinical testing. Allele origin: germline.
Comment: The p.M2033L variant (also known as c.6097A>T), located in coding exon 41 of the NF1 gene, results from an A to T substitution at nucleotide position 6097. The methionine at codon 2033 is replaced by leucine, an amino acid with highly similar properties. This amino acid position is highly conserved in available vertebrate species. In addition, the in silico prediction for this alteration is inconclusive. Based on the available evidence, the clinical significance of this variant remains unclear.

Labcorp Genetics (formerly Invitae), Labcorp
Classification: Uncertain significance for Neurofibromatosis, type 1. Last evaluated: 2024-05-15. Review status: criteria provided, single submitter. Criteria: Invitae Variant Classification Sherloc (09022015). Collection method: clinical testing. Allele origin: germline.
Comment: This sequence change replaces methionine, which is neutral and non-polar, with leucine, which is neutral and non-polar, at codon 2033 of the NF1 protein (p.Met2033Leu). This variant is not present in population databases (gnomAD no frequency). This variant has not been reported in the literature in individuals affected with NF1-related conditions. ClinVar contains an entry for this variant (Variation ID: 961967). Advanced modeling of protein sequence and biophysical properties (such as structural, functional, and spatial information, amino acid conservation, physicochemical variation, residue mobility, and thermodynamic stability) performed at Invitae indicates that this missense variant is not expected to disrupt NF1 protein function with a negative predictive value of 95%. Algorithms developed to predict the effect of sequence changes on RNA splicing suggest that this variant may disrupt the consensus splice site. In summary, the available evidence is currently insufficient to determine the role of this variant in disease. Therefore, it has been classified as a Variant of Uncertain Significance.